The following is an entry in ClinVar:

NM_199420.4(POLQ):c.2860A>C (p.Asn954His)

Gene: POLQ (DNA polymerase theta; minus strand). Cytogenetic location: 3q13.33.
Variant type: single nucleotide variant.
Coding change: c.2860A>C on transcript NM_199420.4 (MANE Select); coding-DNA position 2860, A replaced by C.
Protein change: p.Asn954His; replaces asparagine 954 with histidine.
Molecular consequence: missense variant.
Genome position (GRCh38, 1-based): chr3:121,490,071, T>G on the plus strand (A>C on the coding strand, the complement: POLQ is on the minus strand). VCF-style: chr3-121490071-T-G. GRCh37 (hg19) VCF-style: chr3-121208918-T-G.
Other names: short protein forms N954H.
Identifiers: ClinVar variation 2563801 (VCV002563801.2), dbSNP rs2546788101, ClinGen allele CA354104238.
Genomic context (GRCh38, chr3:121,490,071, plus strand): 5'-GGAAATTACAATTAAAGGAACTTGTATGCTCTCTACTTTTATTTAAGTCTTGCACTATAT[T>G]TGGTGAATGCTTAATATAAGAATCACTAAATATTGTGTTACTTTTGTTCTTTGATGTTAA-3'
Protein context (NP_955452.3, residues 944-964): FSDSYIKHSP[Asn954His]IVQDLNKSRE

ClinVar aggregate classification (germline): Uncertain significance (1 of 4 stars; one submission).

Submission:

Ambry Genetics
Classification: Uncertain significance. Last evaluated: 2023-04-18. Review status: criteria provided, single submitter. Criteria: Ambry Variant Classification Scheme 2023. Collection method: clinical testing. Allele origin: germline.
Comment: The p.N954H variant (also known as c.2860A>C), located in coding exon 16 of the POLQ gene, results from an A to C substitution at nucleotide position 2860. The asparagine at codon 954 is replaced by histidine, an amino acid with similar properties. This amino acid position is conserved. In addition, this alteration is predicted to be tolerated by in silico analysis. Since supporting evidence is limited at this time, the clinical significance of this alteration remains unclear.